The following is an entry in ClinVar:

ClinVar aggregate classification (germline): Conflicting classifications of pathogenicity. Review status: criteria provided, conflicting classifications (1 of 4 stars). 4 submissions from 4 submitters: Uncertain significance (1); Benign (1); Likely benign (1). 1 of the submissions does not count toward it. Last evaluated 2025-12-28.

Conditions:
Inborn genetic diseases. Identifiers: MedGen C0950123, MeSH D030342.
Mosaic variegated aneuploidy syndrome 2 (MVA2). Identifiers: Orphanet 1052, MedGen C3279843, MONDO:0013582, OMIM 614114.
CEP57-related disorder. Also called: CEP57-related condition.

Allele frequency attached by ClinVar (database versions not stated): ExAC 0.00057; gnomAD 0.00157 and 0.00168; TOPMed 0.00189; 1000 Genomes Project 30x 0.00203; ESP Exome Variant Server 0.00215; 1000 Genomes Project 0.00220.
gnomAD v4.1: 502 of 1,613,894 alleles (0.031%); highest among the groups gnomAD compares: African/African-American, 0.57%; 5 homozygotes.

Submissions (4):

Labcorp Genetics (formerly Invitae), Labcorp
Classification: Benign for Mosaic variegated aneuploidy syndrome 2. Last evaluated: 2025-12-28. Review status: criteria provided, single submitter. Criteria: Invitae Variant Classification Sherloc (09022015). Collection method: clinical testing. Allele origin: germline.

Ambry Genetics
Classification: Likely benign for Inborn genetic diseases. Last evaluated: 2025-01-27. Review status: criteria provided, single submitter. Criteria: Ambry Variant Classification Scheme 2023. Collection method: clinical testing. Allele origin: germline.

Baylor Genetics
Classification: Uncertain significance for Mosaic variegated aneuploidy syndrome 2. Last evaluated: 2019-01-23. Review status: criteria provided, single submitter. Criteria: ACMG Guidelines, 2015. Collection method: clinical testing. Allele origin: unknown. Affected: yes. Study: CSER-TexasKidsCanSeq.
Comment: This variant was determined to be of uncertain significance according to ACMG Guidelines, 2015 [PMID:25741868].

PreventionGenetics, part of Exact Sciences
Classification: Likely benign for CEP57-related condition. Last evaluated: 2019-02-21. Review status: no assertion criteria provided. Collection method: clinical testing. Allele origin: germline. Not counted in ClinVar's aggregate classification.
Comment: This variant is classified as likely benign based on ACMG/AMP sequence variant interpretation guidelines (Richards et al. 2015 PMID: 25741868, with internal and published modifications).

NM_014679.5(CEP57):c.677G>A (p.Arg226His)

Gene: CEP57 (centrosomal protein 57; plus strand). Cytogenetic location: 11q21.
Variant type: single nucleotide variant.
Coding change: c.677G>A on transcript NM_014679.5 (MANE Select); coding-DNA position 677, G replaced by A.
Protein change: p.Arg226His; replaces arginine 226 with histidine.
Molecular consequence: missense variant.
Genome position (GRCh38, 1-based): chr11:95,818,882, G>A. VCF-style: chr11-95818882-G-A. GRCh37 (hg19) VCF-style: chr11-95552046-G-A.
Other names: c.650G>A, p.Arg217His (NM_001243776.2); c.677G>A, p.Arg226His (NM_001243777.2); c.596G>A, p.Arg199His (NM_001363604.2); short protein forms R226H, R199H, R217H.
Identifiers: ClinVar variation 472259 (VCV000472259.19), dbSNP rs143711180, ClinGen allele CA6239561.